The following is an entry in ClinVar:

ClinVar aggregate classification (germline): Uncertain significance. Review status: criteria provided, multiple submitters, no conflicts (2 of 4 stars). 4 submissions from 4 submitters: Uncertain significance (4). Last evaluated 2025-09-15.

Conditions:
Cardiovascular phenotype. Identifiers: MedGen CN230736.
Arrhythmogenic cardiomyopathy with wooly hair and keratoderma. Also called: Dilated cardiomyopathy with woolly hair and keratoderma; Arrhythmogenic cardiomyopathy with woolly hair and keratoderma; PALMOPLANTAR KERATODERMA WITH LEFT VENTRICULAR CARDIOMYOPATHY AND WOOLLY HAIR; Carvajal syndrome. Identifiers: Orphanet 65282, MedGen C1854063, MONDO:0011581, OMIM 605676.
Arrhythmogenic right ventricular dysplasia 8 (ARVD8). Also called: ARRHYTHMOGENIC RIGHT VENTRICULAR DYSPLASIA, FAMILIAL, 8; Arrhythmogenic Right Ventricular Dysplasia/Cardiomyopathy 8; ARRHYTHMOGENIC RIGHT VENTRICULAR CARDIOMYOPATHY 8. Identifiers: MedGen C1843896, MONDO:0011831, OMIM 607450.
Cardiomyopathy (CMYO). Also called: Cardiomyopathies. Identifiers: Orphanet 167848, MedGen C0878544, MONDO:0004994, HP:0001638. Inheritance: Various modes of inheritance.

Allele frequency attached by ClinVar (database versions not stated): gnomAD exomes below 0.00001; ExAC 0.00001; TOPMed 0.00001; gnomAD 0.00002.
gnomAD v4.1: 5 of 1,614,080 alleles (0.00031%); highest among the groups gnomAD compares: Non-Finnish European, 0.00042%; no homozygotes.

Submissions (4):

Color Diagnostics, LLC DBA Color Health
Classification: Uncertain significance for Cardiomyopathy. Last evaluated: 2025-09-15. Review status: criteria provided, single submitter. Criteria: ACMG Guidelines, 2015. Collection method: clinical testing. Allele origin: germline.
Comment: This missense variant replaces lysine with glutamine at codon 578 of the DSP protein. Computational prediction suggests that this variant may not impact protein structure and function. To our knowledge, functional studies have not been reported for this variant. This variant has not been reported in individuals affected with DSP-related disorders in the literature. This variant has been identified in 2/282714 chromosomes in the general population by the Genome Aggregation Database (gnomAD). The available evidence is insufficient to determine the role of this variant in disease conclusively. Therefore, this variant is classified as a Variant of Uncertain Significance.

Labcorp Genetics (formerly Invitae), Labcorp
Classification: Uncertain significance for Arrhythmogenic cardiomyopathy with wooly hair and keratoderma; Arrhythmogenic right ventricular dysplasia 8. Last evaluated: 2024-05-25. Review status: criteria provided, single submitter. Criteria: Invitae Variant Classification Sherloc (09022015). Collection method: clinical testing. Allele origin: germline.
Comment: This sequence change replaces lysine, which is basic and polar, with glutamine, which is neutral and polar, at codon 578 of the DSP protein (p.Lys578Gln). This variant is present in population databases (rs761478865, gnomAD 0.002%). This variant has not been reported in the literature in individuals affected with DSP-related conditions. ClinVar contains an entry for this variant (Variation ID: 1384315). An algorithm developed to predict the effect of missense changes on protein structure and function (PolyPhen-2) suggests that this variant is likely to be tolerated. In summary, the available evidence is currently insufficient to determine the role of this variant in disease. Therefore, it has been classified as a Variant of Uncertain Significance.

All of Us Research Program, National Institutes of Health
Classification: Uncertain significance for Arrhythmogenic cardiomyopathy with wooly hair and keratoderma. Last evaluated: 2023-04-10. Review status: criteria provided, single submitter. Criteria: ACMG Guidelines, 2015. Collection method: clinical testing. Allele origin: germline. Inheritance: Autosomal dominant inheritance. Observed: 1 variant allele, 1 heterozygote.
Comment: This missense variant replaces lysine with glutamine at codon 578 of the DSP protein. Computational prediction suggests that this variant may not impact protein structure and function (internally defined REVEL score threshold <= 0.5, PMID: 27666373). To our knowledge, functional studies have not been reported for this variant. This variant has not been reported in individuals affected with DSP-related disorders in the literature. This variant has been identified in 2/282714 chromosomes in the general population by the Genome Aggregation Database (gnomAD). The available evidence is insufficient to determine the role of this variant in disease conclusively. Therefore, this variant is classified as a Variant of Uncertain Significance.

This study involves interpretation of variants in research participants for the purpose of population health screening. Participant phenotype was not available at the time of variant classification. Additional details can be found in publication PMID: 35346344, PMCID: PMC8962531

Ambry Genetics
Classification: Uncertain significance for Cardiovascular phenotype. Last evaluated: 2018-11-09. Review status: criteria provided, single submitter. Criteria: Ambry Variant Classification Scheme 2023. Collection method: clinical testing. Allele origin: germline.
Comment: The p.K578Q variant (also known as c.1732A>C), located in coding exon 14 of the DSP gene, results from an A to C substitution at nucleotide position 1732. The lysine at codon 578 is replaced by glutamine, an amino acid with similar properties. This amino acid position is well conserved in available vertebrate species; however, glutamine is the reference amino acid in other vertebrate species. In addition, this alteration is predicted to be tolerated by in silico analysis. Since supporting evidence is limited at this time, the clinical significance of this alteration remains unclear.

NM_004415.4(DSP):c.1732A>C (p.Lys578Gln)

Gene: DSP (desmoplakin; plus strand). Cytogenetic location: 6p24.3.
Variant type: single nucleotide variant.
Coding change: c.1732A>C on transcript NM_004415.4 (MANE Select); coding-DNA position 1732, A replaced by C.
Protein change: p.Lys578Gln; replaces lysine 578 with glutamine.
Molecular consequence: missense variant.
Genome position (GRCh38, 1-based): chr6:7,571,413, A>C. VCF-style: chr6-7571413-A-C. GRCh37 (hg19) VCF-style: chr6-7571646-A-C.
Other names: c.1732A>C, p.Lys578Gln (NM_001008844.3, NM_001319034.2); short protein forms K578Q.
Identifiers: ClinVar variation 1384315 (VCV001384315.16), dbSNP rs761478865, ClinGen allele CA029844.